The following is an entry in ClinVar:

ClinVar aggregate classification (germline): Pathogenic. Review status: criteria provided, multiple submitters, no conflicts (2 of 4 stars). 3 submissions from 3 submitters: Pathogenic (3). Last evaluated 2026-01-13.

Conditions:
Junctional epidermolysis bullosa. Identifiers: Orphanet 305, MedGen C0079301, MONDO:0017612.
Epidermolysis bullosa, junctional 3B, severe. Also called: EPIDERMOLYSIS BULLOSA, JUNCTIONAL 3B, GENERALIZED SEVERE; EPIDERMOLYSIS BULLOSA, JUNCTIONAL 3B, HERLITZ TYPE. Identifiers: MedGen C5676939, MONDO:0030749, OMIM 619786.
Epidermolysis bullosa, junctional 3A, intermediate. Also called: EPIDERMOLYSIS BULLOSA, JUNCTIONAL 3A, GENERALIZED INTERMEDIATE; EPIDERMOLYSIS BULLOSA, JUNCTIONAL 3A, NON-HERLITZ TYPE. Identifiers: MedGen C5676938, MONDO:0030748, OMIM 619785.

Allele frequency attached by ClinVar (database versions not stated): gnomAD exomes 0.00001; ExAC 0.00002.

Submissions (3):

Labcorp Genetics (formerly Invitae), Labcorp
Classification: Pathogenic. Last evaluated: 2026-01-13. Review status: criteria provided, single submitter. Criteria: Invitae Variant Classification Sherloc (09022015). Collection method: clinical testing. Allele origin: germline.
Comment: This sequence change creates a premature translational stop signal (p.Arg349*) in the LAMC2 gene. It is expected to result in an absent or disrupted protein product. Loss-of-function variants in LAMC2 are known to be pathogenic (PMID: 11907499, 16473856). This variant is present in population databases (rs772306395, gnomAD 0.003%). This premature translational stop signal has been observed in individual(s) with junctional epidermolysis bullosa (PMID: 9856849). In at least one individual the data is consistent with being in trans (on the opposite chromosome) from a pathogenic variant. ClinVar contains an entry for this variant (Variation ID: 1177256). For these reasons, this variant has been classified as Pathogenic.

Fulgent Genetics
Classification: Pathogenic for Epidermolysis bullosa, junctional 3A, intermediate; Epidermolysis bullosa, junctional 3B, severe. Last evaluated: 2024-02-26. Review status: criteria provided, single submitter. Criteria: ACMG Guidelines, 2015. Collection method: clinical testing. Allele origin: germline.

Women's Health and Genetics/Laboratory Corporation of America, LabCorp
Classification: Pathogenic for Junctional epidermolysis bullosa. Last evaluated: 2021-06-27. Review status: criteria provided, single submitter. Criteria: LabCorp Variant Classification Summary - May 2015. Collection method: clinical testing. Allele origin: germline.
Comment: Variant summary: LAMC2 c.1045C>T (p.Arg349X) results in a premature termination codon, predicted to cause a truncation of the encoded protein or absence of the protein due to nonsense mediated decay, which are commonly known mechanisms for disease. Truncations downstream of this position have been classified as pathogenic by our laboratory. The variant allele was found at a frequency of 1.2e-05 in 251452 control chromosomes. c.1045C>T has been reported in the literature in individuals affected with Junctional Epidermolysis Bullosa (example, Takizawa_1998, Tuen_2011, Kouno_2011). No clinical diagnostic laboratories have submitted clinical-significance assessments for this variant to ClinVar after 2014. Based on the evidence outlined above, the variant was classified as pathogenic.

Literature cited by the submitters: PubMed 11907499 (cited by Labcorp Genetics (formerly Invitae), Labcorp); PubMed 16473856 (cited by Labcorp Genetics (formerly Invitae), Labcorp); PubMed 9856849 (cited by Labcorp Genetics (formerly Invitae), Labcorp and Women's Health and Genetics/Laboratory Corporation of America, LabCorp); PubMed 21801158 (cited by Women's Health and Genetics/Laboratory Corporation of America, LabCorp); PubMed 15538630 (cited by Women's Health and Genetics/Laboratory Corporation of America, LabCorp); PubMed 21198797 (cited by Women's Health and Genetics/Laboratory Corporation of America, LabCorp).

NM_005562.3(LAMC2):c.1045C>T (p.Arg349Ter)

Gene: LAMC2 (laminin subunit gamma 2; plus strand). Cytogenetic location: 1q25.3.
Variant type: single nucleotide variant.
Coding change: c.1045C>T on transcript NM_005562.3 (MANE Select); coding-DNA position 1045, C replaced by T.
Protein change: p.Arg349Ter; replaces arginine 349 with a stop codon.
Molecular consequence: nonsense.
Genome position (GRCh38, 1-based): chr1:183,225,699, C>T. VCF-style: chr1-183225699-C-T. GRCh37 (hg19) VCF-style: chr1-183194834-C-T.
Other names: c.1045C>T, p.Arg349Ter (NM_018891.3); short protein forms R349*.
Identifiers: ClinVar variation 1177256 (VCV001177256.7), dbSNP rs772306395, ClinGen allele CA1282510.
Genomic context (GRCh38, chr1:183,225,699, plus strand): 5'-CCCCAGCTGAGTTACTTTGAGTATCGAAGGTTACTGCGGAATCTCACAGCCCTCCGCATC[C>T]GAGCTACATATGGAGAATACAGTAAGTGGCTACGAGAAATTAATTTCTTTCTTCTTAGGT-3'